The following is an entry in ClinVar:

NM_024675.4(PALB2):c.2089G>T (p.Gly697Cys)

Gene: PALB2 (partner and localizer of BRCA2; minus strand). Cytogenetic location: 16p12.2.
Variant type: single nucleotide variant.
Coding change: c.2089G>T on transcript NM_024675.4 (MANE Select); coding-DNA position 2089, G replaced by T.
Protein change: p.Gly697Cys; replaces glycine 697 with cysteine.
Molecular consequence: missense variant.
Genome position (GRCh38, 1-based): chr16:23,630,065, C>A on the plus strand (G>T on the coding strand, the complement: PALB2 is on the minus strand). VCF-style: chr16-23630065-C-A. GRCh37 (hg19) VCF-style: chr16-23641386-C-A.
Other names: c.2029G>T, p.Gly677Cys (NM_001407296.1); c.2089G>T, p.Gly697Cys (NM_001407297.1, NM_001407298.1, NM_001407299.1 and 3 more transcripts); c.1204G>T, p.Gly402Cys (NM_001407304.1, NM_001407305.1, NM_001407306.1 and 5 more transcripts); c.301G>T, p.Gly101Cys (NM_001407312.1, NM_001407313.1); short protein forms G677C, G697C, G402C, G101C.
Identifiers: ClinVar variation 1785693 (VCV001785693.2), dbSNP rs1567218116, ClinGen allele CA395125818.
Genomic context (GRCh38, chr16:23,630,065, plus strand): 5'-CATTATCATCAGGCGCAACCGTATTTAAAGGAGTATAAAGTAATATGGATGAAGAAAGGC[C>A]CGTCTTTGTATGCTGGCTTTGCGAGTTTGGCCTTTTGGGATGTGATTTTCCTGGTAGAAC-3'
Protein context (NP_078951.2, residues 687-707): PNSQSQHTKT[Gly697Cys]LSSSILLYTP

ClinVar aggregate classification (germline): Uncertain significance (1 of 4 stars; one submission).

Conditions:
Hereditary cancer-predisposing syndrome. Also called: Neoplastic Syndromes, Hereditary; Tumor predisposition; Hereditary Cancer Syndrome; Hereditary neoplastic syndrome. Identifiers: Orphanet 140162, MedGen C0027672, MeSH D009386, MONDO:0015356.

Submission:

Ambry Genetics
Classification: Uncertain significance for Hereditary cancer-predisposing syndrome. Last evaluated: 2021-03-29. Review status: criteria provided, single submitter. Criteria: Ambry Variant Classification Scheme 2023. Collection method: clinical testing. Allele origin: germline.
Comment: The p.G697C variant (also known as c.2089G>T), located in coding exon 5 of the PALB2 gene, results from a G to T substitution at nucleotide position 2089. The glycine at codon 697 is replaced by cysteine, an amino acid with highly dissimilar properties. This amino acid position is not well conserved in available vertebrate species. In addition, this alteration is predicted to be tolerated by in silico analysis. Since supporting evidence is limited at this time, the clinical significance of this alteration remains unclear.